The following is an entry in ClinVar:

ClinVar aggregate classification (germline): Pathogenic/Likely pathogenic. Review status: criteria provided, multiple submitters, no conflicts (2 of 4 stars). 2 submissions from 2 submitters: Pathogenic (1); Likely pathogenic (1). Last evaluated 2023-08-04.

Conditions:
Multiple acyl-CoA dehydrogenase deficiency (MADD). Also called: Glutaric aciduria, type 2; Glutaric acidemia type II; GA 2; Glutaric Acidemia type 2; ETHYLMALONIC-ADIPICACIDURIA; GA II. Identifiers: Orphanet 26791, MedGen C0268596, MONDO:0009282, OMIM 231680.

Submissions (2):

Baylor Genetics
Classification: Likely pathogenic for Multiple acyl-CoA dehydrogenase deficiency. Last evaluated: 2023-08-04. Review status: criteria provided, single submitter. Criteria: ACMG Guidelines, 2015. Collection method: clinical testing. Allele origin: unknown.

Labcorp Genetics (formerly Invitae), Labcorp
Classification: Pathogenic for Multiple acyl-CoA dehydrogenase deficiency. Last evaluated: 2020-11-06. Review status: criteria provided, single submitter. Criteria: Invitae Variant Classification Sherloc (09022015). Collection method: clinical testing. Allele origin: germline.
Comment: This sequence change creates a premature translational stop signal (p.Phe337Leufs*48) in the ETFDH gene. It is expected to result in an absent or disrupted protein product. Loss-of-function variants in ETFDH are known to be pathogenic (PMID: 16510302, 23785301). This variant is present in population databases (rs757063739, ExAC 0.01%). This variant has not been reported in the literature in individuals with ETFDH-related conditions. For these reasons, this variant has been classified as Pathogenic.

Literature cited by the submitters: PubMed 16510302 (cited by Labcorp Genetics (formerly Invitae), Labcorp); PubMed 23785301 (cited by Labcorp Genetics (formerly Invitae), Labcorp).

NM_004453.4(ETFDH):c.1011del (p.Phe337fs)

Gene: ETFDH (electron transfer flavoprotein dehydrogenase; plus strand). Cytogenetic location: 4q32.1.
Variant type: Deletion.
Coding change: c.1011del on transcript NM_004453.4 (MANE Select); coding-DNA position 1011, one base deleted (T; older notation c.1011delT).
Protein change: p.Phe337fs; shifts the reading frame from phenylalanine 337.
Molecular consequence: frameshift variant.
Genome position (GRCh38, 1-based): chr4:158,699,025, T deleted; the last of 3 consecutive T bases (chr4:158,699,023-158,699,025); deleting any one gives the same sequence. VCF-style (leftmost placement, unchanged base first): chr4-158699022-AT-A. GRCh37 (hg19) VCF-style: chr4-159620174-AT-A.
Other names: c.870del, p.Phe290fs (NM_001281737.2); c.828del, p.Phe276fs (NM_001281738.1); short protein forms F276fs, F290fs, F337fs.
Identifiers: ClinVar variation 1410339 (VCV001410339.7), dbSNP rs757063739, ClinGen allele CA3122536.
Genomic context (GRCh38, chr4:158,699,022, plus strand): 5'-TTAAATATAAGTGTAAATTTTTAAGGTTGGTCTAGACTATCAGAATCCATACCTGAGTCC[AT>A]TTAGAGAGTTCCAAAGGTGGAAACACCATCCTAGCATTCGGCCAACCTTGGAAGGTGGAA-3'